The following is an entry in ClinVar:

ClinVar aggregate classification (germline): Likely benign (1 of 4 stars; one submission).

Allele frequency attached by ClinVar (database versions not stated): gnomAD exomes 0.00056; gnomAD 0.00513 and 0.00545; TOPMed 0.00563; 1000 Genomes Project 0.00659; 1000 Genomes Project 30x 0.00796.
gnomAD v4.1: 1,362 of 1,144,330 alleles (0.12%); highest among the groups gnomAD compares: African/African-American, 1.8%; 12 homozygotes.

Submission:

GeneDx
Classification: Likely benign. Last evaluated: 2021-05-23. Review status: criteria provided, single submitter. Criteria: GeneDx Variant Classification Process June 2021. Collection method: clinical testing. Allele origin: germline. Affected: yes.
Comment: See Variant Classification Assertion Criteria.

NM_004621.6(TRPC6):c.1510+109G>A

Gene: TRPC6 (transient receptor potential cation channel subfamily C member 6; minus strand). Cytogenetic location: 11q22.1.
Variant type: single nucleotide variant.
Coding change: c.1510+109G>A on transcript NM_004621.6 (MANE Select); 109 bases into the intron after coding-DNA position 1510, G replaced by A.
Molecular consequence: intron variant.
Genome position (GRCh38, 1-based): chr11:101,482,840, C>T on the plus strand (G>A on the coding strand, the complement: TRPC6 is on the minus strand). VCF-style: chr11-101482840-C-T. GRCh37 (hg19) VCF-style: chr11-101353571-C-T.
Identifiers: ClinVar variation 1683816 (VCV001683816.2), dbSNP rs146274431, ClinGen allele CA227518719.
Genomic context (GRCh38, chr11:101,482,840, plus strand): 5'-ATAATGAACCCAAGGCAACTGTACTTTAGGAACACAAAGAAAATTATGATGTGTGGTGCA[C>T]TGTATCATGCTGCATACATTTGTATAACTGATGTGTGAAAGAATCAGTGTCATTCAGTCC-3'